The following is an entry in ClinVar:

ClinVar aggregate classification (germline): Uncertain significance. Review status: criteria provided, multiple submitters, no conflicts (2 of 4 stars). 2 submissions from 2 submitters: Uncertain significance (2). Last evaluated 2024-06-08.

Conditions:
Nephronophthisis-like nephropathy 1 (NPHPL1). Identifiers: Orphanet 655, MedGen C3150419, MONDO:0013163, OMIM 613159.

Allele frequency attached by ClinVar (database versions not stated): gnomAD exomes 0.00001.

Submissions (2):

Labcorp Genetics (formerly Invitae), Labcorp
Classification: Uncertain significance for Nephronophthisis-like nephropathy 1. Last evaluated: 2024-06-08. Review status: criteria provided, single submitter. Criteria: Invitae Variant Classification Sherloc (09022015). Collection method: clinical testing. Allele origin: germline.
Comment: This sequence change replaces glutamic acid, which is acidic and polar, with lysine, which is basic and polar, at codon 38 of the XPNPEP3 protein (p.Glu38Lys). This variant is present in population databases (no rsID available, gnomAD 0.002%). This variant has not been reported in the literature in individuals affected with XPNPEP3-related conditions. ClinVar contains an entry for this variant (Variation ID: 901105). Algorithms developed to predict the effect of missense changes on protein structure and function output the following: SIFT: "Not Available"; PolyPhen-2: "Benign"; Align-GVGD: "Not Available". The lysine amino acid residue is found in multiple mammalian species, which suggests that this missense change does not adversely affect protein function. In summary, the available evidence is currently insufficient to determine the role of this variant in disease. Therefore, it has been classified as a Variant of Uncertain Significance.

Illumina Laboratory Services, Illumina
Classification: Uncertain significance for Nephronophthisis-like nephropathy 1. Last evaluated: 2018-01-13. Review status: criteria provided, single submitter. Criteria: ICSL Variant Classification Criteria 13 December 2019. Collection method: clinical testing. Allele origin: germline.

NM_022098.4(XPNPEP3):c.112G>A (p.Glu38Lys)

Gene: XPNPEP3 (X-prolyl aminopeptidase 3; plus strand). Cytogenetic location: 22q13.2.
Variant type: single nucleotide variant.
Coding change: c.112G>A on transcript NM_022098.4 (MANE Select); coding-DNA position 112, G replaced by A.
Protein change: p.Glu38Lys; replaces glutamic acid 38 with lysine.
Molecular consequence: missense variant.
Genome position (GRCh38, 1-based): chr22:40,869,046, G>A. VCF-style: chr22-40869046-G-A. GRCh37 (hg19) VCF-style: chr22-41265050-G-A.
Other names: short protein forms E38K.
Identifiers: ClinVar variation 901105 (VCV000901105.5), dbSNP rs1471773793, ClinGen allele CA411675561.